The following is an entry in ClinVar:

NM_003579.4(RAD54L):c.228C>G (p.Ser76Arg)

Gene: RAD54L (RAD54 like; plus strand). Cytogenetic location: 1p34.1.
Variant type: single nucleotide variant.
Coding change: c.228C>G on transcript NM_003579.4 (MANE Select); coding-DNA position 228, C replaced by G.
Protein change: p.Ser76Arg; replaces serine 76 with arginine.
Molecular consequence: missense variant. On other transcripts: 5 prime UTR variant (1).
Genome position (GRCh38, 1-based): chr1:46,258,703, C>G. VCF-style: chr1-46258703-C-G. GRCh37 (hg19) VCF-style: chr1-46724375-C-G.
Other names: c.228C>G, p.Ser76Arg (NM_001142548.2); c.-313C>G (NM_001370766.1); short protein forms S76R.
Identifiers: ClinVar variation 3312473 (VCV003312473.1).

ClinVar aggregate classification (germline): Uncertain significance (1 of 4 stars; one submission).

Submission:

Ambry Genetics
Classification: Uncertain significance. Last evaluated: 2024-05-18. Review status: criteria provided, single submitter. Criteria: Ambry Variant Classification Scheme 2023. Collection method: clinical testing. Allele origin: germline.
Comment: The p.S76R variant (also known as c.228C>G), located in coding exon 4 of the RAD54L gene, results from a C to G substitution at nucleotide position 228. The serine at codon 76 is replaced by arginine, an amino acid with dissimilar properties. This amino acid position is conserved. In addition, this alteration is predicted to be tolerated by in silico analysis. Based on the available evidence, the clinical significance of this variant remains unclear.